The following is an entry in ClinVar:

ClinVar aggregate classification (germline): Uncertain significance (1 of 4 stars; one submission).

Submission:

Labcorp Genetics (formerly Invitae), Labcorp
Classification: Uncertain significance. Last evaluated: 2024-09-05. Review status: criteria provided, single submitter. Criteria: Invitae Variant Classification Sherloc (09022015). Collection method: clinical testing. Allele origin: germline.
Comment: This sequence change creates a premature translational stop signal (p.Tyr1059*) in the FBN3 gene. It is expected to result in an absent or disrupted protein product. However, the current clinical and genetic evidence is not sufficient to establish whether loss-of-function variants in FBN3 cause disease. This variant is not present in population databases (gnomAD no frequency). This variant has not been reported in the literature in individuals affected with FBN3-related conditions. In summary, the available evidence is currently insufficient to determine the role of this variant in disease. Therefore, it has been classified as a Variant of Uncertain Significance.

NM_032447.5(FBN3):c.3177C>G (p.Tyr1059Ter)

Gene: FBN3 (fibrillin 3; minus strand). Cytogenetic location: 19p13.2.
Variant type: single nucleotide variant.
Coding change: c.3177C>G on transcript NM_032447.5 (MANE Select); coding-DNA position 3177, C replaced by G.
Protein change: p.Tyr1059Ter; replaces tyrosine 1059 with a stop codon.
Molecular consequence: nonsense.
Genome position (GRCh38, 1-based): chr19:8,121,292, G>C on the plus strand (C>G on the coding strand, the complement: FBN3 is on the minus strand). VCF-style: chr19-8121292-G-C. GRCh37 (hg19) VCF-style: chr19-8186176-G-C.
Other names: c.3177C>G, p.Tyr1059Ter (NM_001321431.2); short protein forms Y1059*.
Identifiers: ClinVar variation 3632716 (VCV003632716.2).